The following is an entry in ClinVar:

ClinVar aggregate classification (germline): Conflicting classifications of pathogenicity. Review status: criteria provided, conflicting classifications (1 of 4 stars). 8 submissions from 4 submitters: Uncertain significance (3); Benign (2); Likely benign (3). Last evaluated 2026-02-03.

Conditions:
Autosomal recessive limb-girdle muscular dystrophy type 2J (LGMDR10). Also called: MUSCULAR DYSTROPHY, LIMB-GIRDLE, AUTOSOMAL RECESSIVE 10; Limb-girdle muscular dystrophy, type 2J. Identifiers: Orphanet 140922, MedGen C1837342, MONDO:0012127, OMIM 608807.
Dilated cardiomyopathy 1G (CMD1G). Identifiers: Orphanet 154, MedGen C1858763, MONDO:0011400, OMIM 604145.
Early-onset myopathy with fatal cardiomyopathy (CMYO5). Also called: CONGENITAL MYOPATHY 5 WITH CARDIOMYOPATHY; Salih Myopathy. Identifiers: Orphanet 289377, MedGen C2673677, MONDO:0012714, OMIM 611705. Disease mechanism: loss of function.
Myopathy, myofibrillar, 9, with early respiratory failure (MFM9). Also called: Myopathy, distal, with early respiratory failure, autosomal dominant; EDSTROM MYOPATHY; MYOPATHY, PROXIMAL, WITH EARLY RESPIRATORY MUSCLE INVOLVEMENT; Hereditary myopathy with early respiratory failure. Identifiers: Orphanet 178464, Orphanet 34521, MedGen C1863599, MONDO:0011362, OMIM 603689.
Tibial muscular dystrophy (TMD). Also called: Tibial muscular dystrophy, tardive; Udd Distal Myopathy – Tibial Muscular Dystrophy; UDD MYOPATHY. Identifiers: Orphanet 609, MedGen C1838244, MONDO:0010870, OMIM 600334.

Allele frequency attached by ClinVar (database versions not stated): ExAC 0.00003; gnomAD exomes 0.00003; TOPMed 0.00007; ESP Exome Variant Server 0.00008; gnomAD 0.00008 and 0.00009; 1000 Genomes Project 30x 0.00016; 1000 Genomes Project 0.00020.
gnomAD v4.1: 77 of 1,607,266 alleles (0.0048%); highest among the groups gnomAD compares: Middle Eastern, 0.05%; no homozygotes.

Submissions (8):

Labcorp Genetics (formerly Invitae), Labcorp
Classification: Likely benign for Dilated cardiomyopathy 1G; Autosomal recessive limb-girdle muscular dystrophy type 2J. Last evaluated: 2026-02-03. Review status: criteria provided, single submitter. Criteria: Invitae Variant Classification Sherloc (09022015). Collection method: clinical testing. Allele origin: germline.

GeneDx
Classification: Likely benign. Last evaluated: 2018-03-27. Review status: criteria provided, single submitter. Criteria: GeneDx Variant Classification Process June 2021. Collection method: clinical testing. Allele origin: germline. Affected: yes.

Illumina Laboratory Services, Illumina
Classification: Uncertain significance for Autosomal recessive limb-girdle muscular dystrophy type 2J. Last evaluated: 2017-04-27. Review status: criteria provided, single submitter. Criteria: ICSL Variant Classification Criteria 13 December 2019. Collection method: clinical testing. Allele origin: germline.

Illumina Laboratory Services, Illumina
Classification: Benign for Myopathy, myofibrillar, 9, with early respiratory failure. Last evaluated: 2017-04-27. Review status: criteria provided, single submitter. Criteria: ICSL Variant Classification Criteria 13 December 2019. Collection method: clinical testing. Allele origin: germline.
Comment: This variant was observed as part of a predisposition screen in an ostensibly healthy population. A literature search was performed for the gene, cDNA change, and amino acid change (where applicable). No publications were found based on this search. Allele frequency data from public databases was too high to be consistent with this variant causing disease. Therefore, this variant is classified as benign.

Illumina Laboratory Services, Illumina
Classification: Uncertain significance for Early-onset myopathy with fatal cardiomyopathy. Last evaluated: 2017-04-27. Review status: criteria provided, single submitter. Criteria: ICSL Variant Classification Criteria 13 December 2019. Collection method: clinical testing. Allele origin: germline.

Illumina Laboratory Services, Illumina
Classification: Benign for Tibial muscular dystrophy. Last evaluated: 2017-04-27. Review status: criteria provided, single submitter. Criteria: ICSL Variant Classification Criteria 13 December 2019. Collection method: clinical testing. Allele origin: germline.
Comment: the same text as in the submission from Illumina Laboratory Services, Illumina above.

Illumina Laboratory Services, Illumina
Classification: Uncertain significance for Dilated cardiomyopathy 1G. Last evaluated: 2017-04-27. Review status: criteria provided, single submitter. Criteria: ICSL Variant Classification Criteria 13 December 2019. Collection method: clinical testing. Allele origin: germline.

Laboratory for Molecular Medicine, Mass General Brigham Personalized Medicine
Classification: Likely benign. Last evaluated: 2012-03-19. Review status: criteria provided, single submitter. Criteria: LMM Criteria. Collection method: clinical testing. Allele origin: germline. Observed: 1 variant allele.
Comment: 14575+12A>G in intron 59 of TTN: This variant is not expected to have clinical s ignificance because it is not located within the splice consensus sequence. It h as been identified in 1/6612 European American chromosomes from a broad populati on by the NHLBI Exome Sequencing Project. 14 575+12A>G in intron 59 of TTN (allele frequency = 1/6612) **

NM_001267550.2(TTN):c.18307+12A>G

Genes: TTN (titin; minus strand), LOC126806430 (BRD4-independent group 4 enhancer GRCh37_chr2:179593794-179594993; plus strand). Cytogenetic location: 2q31.2.
Variant type: single nucleotide variant.
Coding change: c.18307+12A>G on transcript NM_001267550.2 (MANE Select); 12 bases into the intron after coding-DNA position 18307, A replaced by G.
Molecular consequence: intron variant.
Genome position (GRCh38, 1-based): chr2:178,730,081, T>C on the plus strand (A>G on the coding strand, the complement: TTN is on the minus strand). VCF-style: chr2-178730081-T-C. GRCh37 (hg19) VCF-style: chr2-179594808-T-C.
Other names: c.13282+8001A>G (NM_003319.4); c.13858+8001A>G (NM_133437.4); c.13657+8001A>G (NM_133432.3); c.14575+12A>G (NM_133378.4); c.17356+12A>G (NM_001256850.1).
Identifiers: ClinVar variation 178251 (VCV000178251.17), dbSNP rs376899412, ClinGen allele CA181919.